The following is an entry in ClinVar:

NM_000257.4(MYH7):c.3627C>A (p.Asn1209Lys)

Gene: MYH7 (myosin heavy chain 7; minus strand). Cytogenetic location: 14q11.2.
Variant type: single nucleotide variant.
Coding change: c.3627C>A on transcript NM_000257.4 (MANE Select); coding-DNA position 3627, C replaced by A.
Protein change: p.Asn1209Lys; replaces asparagine 1209 with lysine.
Molecular consequence: missense variant.
Genome position (GRCh38, 1-based): chr14:23,419,944, G>T on the plus strand (C>A on the coding strand, the complement: MYH7 is on the minus strand). VCF-style: chr14-23419944-G-T. GRCh37 (hg19) VCF-style: chr14-23889153-G-T.
Other names: c.3627C>A, p.Asn1209Lys (NM_001407004.1); short protein forms N1209K.
Identifiers: ClinVar variation 4801926 (VCV004801926.1).

ClinVar aggregate classification (germline): Uncertain significance (1 of 4 stars; one submission).

Conditions:
Hypertrophic cardiomyopathy. Also called: HYPERTROPHIC MYOCARDIOPATHY. Identifiers: Orphanet 217569, MedGen C0007194, MeSH D002312, MONDO:0005045, HP:0001639.

Submission:

Labcorp Genetics (formerly Invitae), Labcorp
Classification: Uncertain significance for Hypertrophic cardiomyopathy. Last evaluated: 2025-02-06. Review status: criteria provided, single submitter. Criteria: Invitae Variant Classification Sherloc (09022015). Collection method: clinical testing. Allele origin: germline.
Comment: This sequence change replaces asparagine, which is neutral and polar, with lysine, which is basic and polar, at codon 1209 of the MYH7 protein (p.Asn1209Lys). This variant is not present in population databases (gnomAD no frequency). This variant has not been reported in the literature in individuals affected with MYH7-related conditions. Invitae Evidence Modeling of protein sequence and biophysical properties (such as structural, functional, and spatial information, amino acid conservation, physicochemical variation, residue mobility, and thermodynamic stability) indicates that this missense variant is expected to disrupt MYH7 protein function with a positive predictive value of 95%. In summary, the available evidence is currently insufficient to determine the role of this variant in disease. Therefore, it has been classified as a Variant of Uncertain Significance.